The following is an entry in ClinVar:

ClinVar aggregate classification (germline): Conflicting classifications of pathogenicity. Review status: criteria provided, conflicting classifications (1 of 4 stars). 6 submissions from 6 submitters: Uncertain significance (3); Likely benign (3). Last evaluated 2026-02-01.

Conditions:
Inborn genetic diseases. Identifiers: MedGen C0950123, MeSH D030342.
Weill-Marchesani 4 syndrome, recessive. Also called: Weill-Marchesani syndrome 4. Identifiers: Orphanet 363992, MedGen C2750787, MONDO:0013176, OMIM 613195.

Allele frequency attached by ClinVar (database versions not stated): ESP Exome Variant Server 0.00031; TOPMed 0.00048; gnomAD 0.00053 and 0.00056; gnomAD exomes 0.00054 and 0.00092; ExAC 0.00058.
gnomAD v4.1: 1,399 of 1,614,098 alleles (0.087%); highest among the groups gnomAD compares: Non-Finnish European, 0.11%; 2 homozygotes.

Submissions (6):

Labcorp Genetics (formerly Invitae), Labcorp
Classification: Likely benign. Last evaluated: 2026-02-01. Review status: criteria provided, single submitter. Criteria: Invitae Variant Classification Sherloc (09022015). Collection method: clinical testing. Allele origin: germline.

Ambry Genetics
Classification: Uncertain significance for Inborn genetic diseases. Last evaluated: 2025-08-14. Review status: criteria provided, single submitter. Criteria: Ambry Variant Classification Scheme 2023. Collection method: clinical testing. Allele origin: germline.

Mayo Clinic Laboratories, Mayo Clinic
Classification: Likely benign. Last evaluated: 2025-05-08. Review status: criteria provided, single submitter. Criteria: ACMG Guidelines, 2015. Collection method: clinical testing. Allele origin: germline. Observed: 2 variant alleles.
Comment: BS1, BP4_moderate

Blueprint Genetics
Classification: Likely benign. Last evaluated: 2024-11-11. Review status: criteria provided, single submitter. Criteria: ACMG Guidelines, 2015. Collection method: clinical testing. Allele origin: germline.

Center for Genomics, Ann and Robert H. Lurie Children's Hospital of Chicago
Classification: Uncertain significance for Weill-Marchesani 4 syndrome, recessive. Last evaluated: 2021-03-30. Review status: criteria provided, single submitter. Criteria: ACMG Guidelines, 2015. Collection method: clinical testing. Allele origin: germline.
Comment: ADAMTS17 NM_139057.3 exon 9 p.Ser430Pro (c.1288T>C): This variant has not been reported in the literature but is present in 0.1% (135/129176) of European alleles, including 1 homozygote in the Genome Aggregation Database. This variant is present in ClinVar (Variation ID:315298). Evolutionary conservation for this variant is unclear; computational predictive tools suggest that this variant may not impact the protein. In summary, data on this variant is insufficient for disease classification. Therefore, the clinical significance of this variant is uncertain.

Illumina Laboratory Services, Illumina
Classification: Uncertain significance for Weill-Marchesani 4 syndrome, recessive. Last evaluated: 2018-01-12. Review status: criteria provided, single submitter. Criteria: ICSL Variant Classification Criteria 13 December 2019. Collection method: clinical testing. Allele origin: germline.

NM_139057.4(ADAMTS17):c.1288T>C (p.Ser430Pro)

Gene: ADAMTS17 (ADAM metallopeptidase with thrombospondin type 1 motif 17; minus strand). Cytogenetic location: 15q26.3.
Variant type: single nucleotide variant.
Coding change: c.1288T>C on transcript NM_139057.4 (MANE Select); coding-DNA position 1288, T replaced by C.
Protein change: p.Ser430Pro; replaces serine 430 with proline.
Molecular consequence: missense variant.
Genome position (GRCh38, 1-based): chr15:100,155,214, A>G on the plus strand (T>C on the coding strand, the complement: ADAMTS17 is on the minus strand). VCF-style: chr15-100155214-A-G. GRCh37 (hg19) VCF-style: chr15-100695419-A-G.
Other names: p.Ser430Pro; short protein forms S430P.
Identifiers: ClinVar variation 315298 (VCV000315298.21), dbSNP rs140930935, ClinGen allele CA7758318.